The following is an entry in ClinVar:

NM_000257.4(MYH7):c.4622A>T (p.Gln1541Leu)

Genes: MHRT (myosin heavy chain associated RNA transcript; plus strand), MYH7 (myosin heavy chain 7; minus strand). Cytogenetic location: 14q11.2.
Variant type: single nucleotide variant.
Coding change: c.4622A>T on transcript NM_000257.4 (MANE Select); coding-DNA position 4622, A replaced by T.
Protein change: p.Gln1541Leu; replaces glutamine 1541 with leucine.
Molecular consequence: missense variant.
Genome position (GRCh38, 1-based): chr14:23,416,890, T>A on the plus strand (A>T on the coding strand, the complement: MYH7 is on the minus strand). VCF-style: chr14-23416890-T-A. GRCh37 (hg19) VCF-style: chr14-23886099-T-A.
Other names: short protein forms Q1541L.
Identifiers: ClinVar variation 800765 (VCV000800765.6), dbSNP rs587779389, ClinGen allele CA389038004.

ClinVar aggregate classification (germline): Uncertain significance. Review status: criteria provided, single submitter (1 of 4 stars). 2 submissions from 2 submitters: Uncertain significance (1). 1 of the submissions does not count toward it. Last evaluated 2021-08-04.

Conditions:
Autosomal dominant MYH7-related disorder.
Hypertrophic cardiomyopathy. Also called: HYPERTROPHIC MYOCARDIOPATHY. Identifiers: Orphanet 217569, MedGen C0007194, MeSH D002312, MONDO:0005045, HP:0001639.

Submissions (2):

Labcorp Genetics (formerly Invitae), Labcorp
Classification: Uncertain significance for Hypertrophic cardiomyopathy. Last evaluated: 2021-08-04. Review status: criteria provided, single submitter. Criteria: Invitae Variant Classification Sherloc (09022015). Collection method: clinical testing. Allele origin: germline.
Comment: This variant is not present in population databases (ExAC no frequency). This sequence change replaces glutamine with leucine at codon 1541 of the MYH7 protein (p.Gln1541Leu). The glutamine residue is highly conserved and there is a moderate physicochemical difference between glutamine and leucine. This variant has not been reported in the literature in individuals affected with MYH7-related conditions. ClinVar contains an entry for this variant (Variation ID: 800765). Algorithms developed to predict the effect of missense changes on protein structure and function are either unavailable or do not agree on the potential impact of this missense change (SIFT: "Deleterious"; PolyPhen-2: "Probably Damaging"; Align-GVGD: "Class C0"). In summary, the available evidence is currently insufficient to determine the role of this variant in disease. Therefore, it has been classified as a Variant of Uncertain Significance.

Biochemical Molecular Genetic Laboratory, King Abdulaziz Medical City
Classification: Uncertain significance for Autosomal dominant MYH7-related disorder. Last evaluated: 2019-01-29. Review status: no assertion criteria provided. Collection method: clinical testing. Allele origin: germline. Affected: yes. Not counted in ClinVar's aggregate classification.